The following is an entry in ClinVar:

ClinVar aggregate classification (germline): Uncertain significance. Review status: criteria provided, multiple submitters, no conflicts (2 of 4 stars). 2 submissions from 2 submitters: Uncertain significance (2). Last evaluated 2026-04-23.

Conditions:
TSPEAR-related disorder. Also called: TSPEAR-related condition.
Inborn genetic diseases. Identifiers: MedGen C0950123, MeSH D030342.

Allele frequency attached by ClinVar (database versions not stated): TOPMed below 0.00001.
gnomAD v4.1: 4 of 1,604,068 alleles (0.00025%); highest among the groups gnomAD compares: Non-Finnish European, 0.00026%; no homozygotes.

Submissions (2):

PreventionGenetics, part of Exact Sciences
Classification: Uncertain significance for TSPEAR-related condition. Last evaluated: 2026-04-23. Review status: criteria provided, single submitter. Criteria: ACMG Guidelines, 2015. Collection method: clinical testing. Allele origin: germline.
Comment: The TSPEAR c.76T>A variant is predicted to result in the amino acid substitution p.Cys26Ser. To our knowledge, this variant has not been reported in the literature. This variant is reported in 0.0019% of alleles in individuals of European (Non-Finnish) descent in gnomAD. At this time, the clinical significance of this variant is uncertain due to the absence of conclusive functional and genetic evidence.

Ambry Genetics
Classification: Uncertain significance for Inborn genetic diseases. Last evaluated: 2022-03-16. Review status: criteria provided, single submitter. Criteria: Ambry Variant Classification Scheme 2023. Collection method: clinical testing. Allele origin: germline.

NM_144991.3(TSPEAR):c.76T>A (p.Cys26Ser)

Gene: TSPEAR (thrombospondin type laminin G domain and EAR repeats; minus strand). Cytogenetic location: 21q22.3.
Variant type: single nucleotide variant.
Coding change: c.76T>A on transcript NM_144991.3 (MANE Select); coding-DNA position 76, T replaced by A.
Protein change: p.Cys26Ser; replaces cysteine 26 with serine.
Molecular consequence: missense variant. On other transcripts: 5 prime UTR variant (1).
Genome position (GRCh38, 1-based): chr21:44,711,439, A>T on the plus strand (T>A on the coding strand, the complement: TSPEAR is on the minus strand). VCF-style: chr21-44711439-A-T. GRCh37 (hg19) VCF-style: chr21-46131354-A-T.
Other names: c.-191T>A (NM_001272037.2); short protein forms C26S.
Identifiers: ClinVar variation 2278707 (VCV002278707.3), dbSNP rs781836712, ClinGen allele CA10061737.